The following is an entry in ClinVar:

ClinVar aggregate classification (germline): Likely benign. Review status: criteria provided, multiple submitters, no conflicts (2 of 4 stars). 3 submissions from 3 submitters: Likely benign (3). Last evaluated 2025-07-15.

Conditions:
Malignant hyperthermia, susceptibility to, 1 (MHS1). Also called: RYR1-Related Malignant Hyperthermia Susceptibility; Anesthesia related hyperthermia; Malignant hyperpyrexia; Fulminating hyperpyrexia; Pharmacogenic myopathy; Malignant hyperthermia suceptibility 1. Identifiers: Orphanet 423, MedGen C2930980, MONDO:0007783, OMIM 145600.
RYR1-related disorder. Also called: RYR1-related disorders; RYR1-related condition. Identifiers: MedGen CN239331.

Allele frequency attached by ClinVar (database versions not stated): ExAC 0.00003; TOPMed 0.00003; gnomAD 0.00004; gnomAD exomes 0.00005.
gnomAD v4.1: 21 of 1,614,054 alleles (0.0013%); highest among the groups gnomAD compares: Admixed American, 0.032%; no homozygotes.

Submissions (3):

Labcorp Genetics (formerly Invitae), Labcorp
Classification: Likely benign for RYR1-related disorder. Last evaluated: 2025-07-15. Review status: criteria provided, single submitter. Criteria: Invitae Variant Classification Sherloc (09022015). Collection method: clinical testing. Allele origin: germline.

All of Us Research Program, National Institutes of Health
Classification: Likely benign for Malignant hyperthermia, susceptibility to, 1. Last evaluated: 2023-12-13. Review status: criteria provided, single submitter. Criteria: ACMG Guidelines, 2015. Collection method: clinical testing. Allele origin: germline. Inheritance: Autosomal dominant inheritance. Observed: 2 variant alleles, 2 heterozygotes.
Comment: This study involves interpretation of variants in research participants for the purpose of population health screening. Participant phenotype was not available at the time of variant classification. Additional details can be found in publication PMID: 35346344, PMCID: PMC8962531

Breakthrough Genomics
Classification: Likely benign. Review status: criteria provided, single submitter. Criteria: ACMG Guidelines, 2015. Collection method: not provided. Allele origin: germline. Inheritance: Autosomal recessive inheritance. Affected: yes.

NM_000540.3(RYR1):c.12348G>A (p.Ala4116=)

Gene: RYR1 (ryanodine receptor 1; plus strand). Cytogenetic location: 19q13.2.
Variant type: single nucleotide variant.
Coding change: c.12348G>A on transcript NM_000540.3 (MANE Select); coding-DNA position 12348, G replaced by A.
Protein change: p.Ala4116=; no amino-acid change (alanine 4116 retained).
Molecular consequence: synonymous variant.
Genome position (GRCh38, 1-based): chr19:38,561,178, G>A. VCF-style: chr19-38561178-G-A. GRCh37 (hg19) VCF-style: chr19-39051818-G-A.
Other names: c.12333G>A, p.Ala4111= (NM_001042723.2).
Identifiers: ClinVar variation 654913 (VCV000654913.8), dbSNP rs753882985, ClinGen allele CA058746.
Genomic context (GRCh38, chr19:38,561,178, plus strand): 5'-GGACAGCCAGAAGCAGTTCAGCGGTCCAGAAATCCAGTTCCTGCTTTCGTGCTCCGAAGC[G>A]GATGAGAACGAAATGATCAACTGCGAAGAGTTCGCCAACCGCTTCCAGGAGCCAGCACGC-3'
Protein context (NP_000531.2, residues 4106-4126): EIQFLLSCSE[Ala4116=]DENEMINCEE